The following is an entry in ClinVar:

ClinVar aggregate classification (germline): Uncertain significance (1 of 4 stars; one submission).

Conditions:
Dystonic disorder. Also called: Dystonia. Identifiers: MedGen C0013421, MONDO:0003441, HP:0001332.

gnomAD v4.1: 12 of 1,561,584 alleles (0.00077%); highest among the groups gnomAD compares: Admixed American, 0.0038%; no homozygotes.

Submission:

Labcorp Genetics (formerly Invitae), Labcorp
Classification: Uncertain significance for Dystonic disorder. Last evaluated: 2025-10-11. Review status: criteria provided, single submitter. Criteria: Invitae Variant Classification Sherloc (09022015). Collection method: clinical testing. Allele origin: germline.
Comment: This sequence change replaces arginine, which is basic and polar, with tryptophan, which is neutral and slightly polar, at codon 847 of the CIZ1 protein (p.Arg847Trp). The frequency data for this variant in the population databases is considered unreliable, as metrics indicate poor data quality at this position in the gnomAD database. This variant has not been reported in the literature in individuals affected with CIZ1-related conditions. An algorithm developed to predict the effect of missense changes on protein structure and function (PolyPhen-2) suggests that this variant is likely to be disruptive. In summary, the available evidence is currently insufficient to determine the role of this variant in disease. Therefore, it has been classified as a Variant of Uncertain Significance.

NM_001131016.2(CIZ1):c.2539C>T (p.Arg847Trp)

Gene: CIZ1 (CDKN1A interacting zinc finger protein 1; minus strand). Cytogenetic location: 9q34.11.
Variant type: single nucleotide variant.
Coding change: c.2539C>T on transcript NM_001131016.2 (MANE Select); coding-DNA position 2539, C replaced by T.
Protein change: p.Arg847Trp; replaces arginine 847 with tryptophan.
Molecular consequence: missense variant.
Genome position (GRCh38, 1-based): chr9:128,166,355, G>A on the plus strand (C>T on the coding strand, the complement: CIZ1 is on the minus strand). VCF-style: chr9-128166355-G-A. GRCh37 (hg19) VCF-style: chr9-130928634-G-A.
Other names: c.2371C>T, p.Arg791Trp (NM_001131015.2); c.2356C>T, p.Arg786Trp (NM_001131017.2); c.2299C>T, p.Arg767Trp (NM_001131018.2); c.2707C>T, p.Arg903Trp (NM_001257975.2); c.2236C>T, p.Arg746Trp (NM_001257976.2); c.2539C>T, p.Arg847Trp (NM_012127.3); short protein forms R786W, R903W, R746W, R767W, R791W, R847W.
Identifiers: ClinVar variation 4706908 (VCV004706908.1).